The following is an entry in ClinVar:

ClinVar aggregate classification (germline): Uncertain significance. Review status: criteria provided, multiple submitters, no conflicts (2 of 4 stars). 2 submissions from 2 submitters: Uncertain significance (2). Last evaluated 2024-10-16.

Conditions:
Combined immunodeficiency due to CTPS1 deficiency. Also called: Severe combined immunodeficiency due to CTPS1 deficiency; Immunodeficiency 24. Identifiers: Orphanet 420573, MedGen C4014617, MONDO:0014391, OMIM 615897.

Submissions (2):

Labcorp Genetics (formerly Invitae), Labcorp
Classification: Uncertain significance for Combined immunodeficiency due to CTPS1 deficiency. Last evaluated: 2024-10-16. Review status: criteria provided, single submitter. Criteria: Invitae Variant Classification Sherloc (09022015). Collection method: clinical testing. Allele origin: germline.
Comment: This sequence change replaces cysteine, which is neutral and slightly polar, with glycine, which is neutral and non-polar, at codon 491 of the CTPS1 protein (p.Cys491Gly). This variant is not present in population databases (gnomAD no frequency). This variant has not been reported in the literature in individuals affected with CTPS1-related conditions. ClinVar contains an entry for this variant (Variation ID: 1524827). An algorithm developed to predict the effect of missense changes on protein structure and function (PolyPhen-2) suggests that this variant is likely to be tolerated. In summary, the available evidence is currently insufficient to determine the role of this variant in disease. Therefore, it has been classified as a Variant of Uncertain Significance.

Ambry Genetics
Classification: Uncertain significance. Last evaluated: 2023-02-28. Review status: criteria provided, single submitter. Criteria: Ambry Variant Classification Scheme 2023. Collection method: clinical testing. Allele origin: germline.

NM_001905.4(CTPS1):c.1471T>G (p.Cys491Gly)

Gene: CTPS1 (CTP synthase 1; plus strand). Cytogenetic location: 1p34.2.
Variant type: single nucleotide variant.
Coding change: c.1471T>G on transcript NM_001905.4 (MANE Select); coding-DNA position 1471, T replaced by G.
Protein change: p.Cys491Gly; replaces cysteine 491 with glycine.
Molecular consequence: missense variant. On other transcripts: non-coding transcript variant (1).
Genome position (GRCh38, 1-based): chr1:41,008,815, T>G. VCF-style: chr1-41008815-T-G. GRCh37 (hg19) VCF-style: chr1-41474487-T-G.
Other names: c.1471T>G (NM_001905.2); c.1003T>G, p.Cys335Gly (NM_001301237.2); short protein forms C335G, C491G.
Identifiers: ClinVar variation 1524827 (VCV001524827.7), dbSNP rs2148420580, ClinGen allele CA339906270.